The following is an entry in ClinVar:

NM_001258392.3(CLPB):c.340G>A (p.Gly114Ser)

Gene: CLPB (ClpB family mitochondrial disaggregase; minus strand). Cytogenetic location: 11q13.4.
Variant type: single nucleotide variant.
Coding change: c.340G>A on transcript NM_001258392.3 (MANE Select); coding-DNA position 340, G replaced by A.
Protein change: p.Gly114Ser; replaces glycine 114 with serine.
Molecular consequence: missense variant.
Genome position (GRCh38, 1-based): chr11:72,434,135, C>T on the plus strand (G>A on the coding strand, the complement: CLPB is on the minus strand). VCF-style: chr11-72434135-C-T. GRCh37 (hg19) VCF-style: chr11-72145179-C-T.
Other names: c.340G>A, p.Gly114Ser (NM_001258393.3, NM_030813.6); c.98G>A, p.Gly33Glu (NM_001258394.3); short protein forms G114S, G33E.
Identifiers: ClinVar variation 3716137 (VCV003716137.3).

ClinVar aggregate classification (germline): Uncertain significance. Review status: criteria provided, multiple submitters, no conflicts (2 of 4 stars). 2 submissions from 2 submitters: Uncertain significance (2). Last evaluated 2025-12-15.

Conditions:
3-methylglutaconic aciduria, type VIIB (MGCA7B). Also called: 3-methylglutaconic aciduria with cataracts, neurologic involvement and neutropenia; CLPB Deficiency; 3-methylglutaconic aciduria, type VII, with cataracts, neurologic involvement and neutropenia. Identifiers: Orphanet 445038, MedGen C5676893, MONDO:0014561, OMIM 616271.

gnomAD v4.1: 9 of 1,612,456 alleles (0.00056%); highest among the groups gnomAD compares: East Asian, 0.0045%; no homozygotes.

Submissions (2):

Labcorp Genetics (formerly Invitae), Labcorp
Classification: Uncertain significance for 3-methylglutaconic aciduria, type VIIB. Last evaluated: 2025-12-15. Review status: criteria provided, single submitter. Criteria: Invitae Variant Classification Sherloc (09022015). Collection method: clinical testing. Allele origin: germline.
Comment: This sequence change replaces glycine, which is neutral and non-polar, with serine, which is neutral and polar, at codon 114 of the CLPB protein (p.Gly114Ser). This variant is not present in population databases (gnomAD no frequency). This variant has not been reported in the literature in individuals affected with CLPB-related conditions. ClinVar contains an entry for this variant (Variation ID: 3716137). An algorithm developed to predict the effect of missense changes on protein structure and function outputs the following: PolyPhen-2: "Benign". The serine amino acid residue is found in multiple mammalian species, which suggests that this missense change does not adversely affect protein function. In summary, the available evidence is currently insufficient to determine the role of this variant in disease. Therefore, it has been classified as a Variant of Uncertain Significance.

Blueprint Genetics
Classification: Uncertain significance. Last evaluated: 2024-03-22. Review status: criteria provided, single submitter. Criteria: ACMG Guidelines, 2015. Collection method: clinical testing. Allele origin: germline.